The following is an entry in ClinVar:

NM_012309.5(SHANK2):c.2730_2737del (p.Lys910fs)

Gene: SHANK2 (SH3 and multiple ankyrin repeat domains 2; minus strand). Cytogenetic location: 11q13.3.
Variant type: Deletion.
Coding change: c.2730_2737del on transcript NM_012309.5 (MANE Select); coding-DNA positions 2730 to 2737, 8 bases deleted (GTCCCCAA; older notation c.2730_2737delGTCCCCAA).
Protein change: p.Lys910fs; shifts the reading frame from lysine 910.
Molecular consequence: frameshift variant.
Genome position (GRCh38, 1-based): chr11:70,487,556-70,487,563, TTGGGGAC deleted on the plus strand (GTCCCCAA on the coding strand, the reverse complement: SHANK2 is on the minus strand); deleting any 8 consecutive bases within chr11:70,487,556-70,487,569 gives the same sequence; the c. name uses the placement nearest the transcript's 3' end. VCF-style (leftmost placement, unchanged base first): chr11-70487555-GTTGGGGAC-G. GRCh37 (hg19) VCF-style: chr11-70333660-GTTGGGGAC-G.
Other names: c.2679_2686del, p.Lys893fs (NM_001441032.1, NM_001441033.1, NM_001441034.1 and 8 more transcripts); c.2652_2659del, p.Lys884fs (NM_001441035.1, NM_001441036.1, NM_001441037.1); c.2607_2614del, p.Lys869fs (NM_001441038.1); c.1563_1570del, p.Lys521fs (NM_001441040.1); c.966_973del, p.Lys322fs (NM_133266.5); c.1593_1600del, p.Lys531fs (NM_001379226.1); c.2850_2857del, p.Lys950fs (NM_001441024.1); c.1515_1522del, p.Lys505fs (NM_001441041.1); and 6 more; short protein forms K278fs, K296fs, K305fs, K312fs, K315fs, K319fs, K322fs, K505fs.
Identifiers: ClinVar variation 4532180 (VCV004532180.1).

ClinVar aggregate classification (germline): Pathogenic (1 of 4 stars; one submission).

Conditions:
Complex neurodevelopmental disorder. Identifiers: Orphanet 528084, MedGen C5568766, MONDO:0100038.

Submission:

Victorian Clinical Genetics Services, Murdoch Childrens Research Institute
Classification: Pathogenic for Complex neurodevelopmental disorder. Last evaluated: 2025-05-28. Review status: criteria provided, single submitter. Criteria: ACMG Guidelines, 2015. Collection method: clinical testing. Allele origin: germline. Affected: yes.
Comment: This variant is classified as Pathogenic. Evidence in support of pathogenic classification: Variant is predicted to cause nonsense-mediated decay (NMD) and loss of protein (premature termination codon is located at least 54 nucleotides upstream of the final exon-exon junction); Variant is absent from gnomAD (v2, v3 and v4); Other NMD-predicted variant(s) comparable to the one identified in this case have very strong previous evidence for pathogenicity (DECIPHER); Additional information: This variant is heterozygous; This gene is associated with autosomal dominant disease; Loss of function is a known mechanism of disease in this gene and is associated with complex neurodevelopmental disorder (MONDO:0100038), SHANK2-related.